The following is an entry in ClinVar:

NM_000370.3(TTPA):c.452G>A (p.Arg151Gln)

Gene: TTPA (alpha tocopherol transfer protein; minus strand). Cytogenetic location: 8q12.3.
Variant type: single nucleotide variant.
Coding change: c.452G>A on transcript NM_000370.3 (MANE Select); coding-DNA position 452, G replaced by A.
Protein change: p.Arg151Gln; replaces arginine 151 with glutamine.
Molecular consequence: missense variant.
Genome position (GRCh38, 1-based): chr8:63,066,004, C>T on the plus strand (G>A on the coding strand, the complement: TTPA is on the minus strand). VCF-style: chr8-63066004-C-T. GRCh37 (hg19) VCF-style: chr8-63978563-C-T.
Other names: short protein forms R151Q.
Identifiers: ClinVar variation 363561 (VCV000363561.26), dbSNP rs150710403, ClinGen allele CA4763234.
Genomic context (GRCh38, chr8:63,066,004, plus strand): 5'-ATTTGAAAAGCATGAGAAAACTGCCAACCTTCCAGATCAAAGATAGCCTTGATTCCATTC[C>T]GCTGAGTTTCTACCTCCTGTACAATAAGCTCGGATGTGATTAGACTTACTCGAAATACGT-3'
Protein context (NP_000361.1, residues 141-161): ELIVQEVETQ[Arg151Gln]NGIKAIFDLE

ClinVar aggregate classification (germline): Uncertain significance. Review status: criteria provided, multiple submitters, no conflicts (2 of 4 stars). 12 submissions from 12 submitters: Uncertain significance (9). 3 of the submissions do not count toward it. Last evaluated 2024-12-13.

Conditions:
Familial isolated deficiency of vitamin E (AVED). Also called: ATAXIA, FRIEDREICH-LIKE, WITH SELECTIVE VITAMIN E DEFICIENCY; Ataxia with isolated vitamin E deficiency. Identifiers: Orphanet 96, MedGen C1848533, MONDO:0010188, OMIM 277460.
Retinal dystrophy. Also called: Inherited retinal dystrophy. Identifiers: Orphanet 71862, MedGen C0854723, MeSH D058499, MONDO:0019118, HP:0000556.

Allele frequency attached by ClinVar (database versions not stated): 1000 Genomes Project 30x 0.00016; 1000 Genomes Project 0.00020; ESP Exome Variant Server 0.00031; gnomAD 0.00040 and 0.00042; TOPMed 0.00041; ExAC 0.00051.
gnomAD v4.1: 938 of 1,614,020 alleles (0.058%); highest among the groups gnomAD compares: South Asian, 0.12%; 1 homozygote.

Submissions (12):

Women's Health and Genetics/Laboratory Corporation of America, LabCorp
Classification: Uncertain significance. Last evaluated: 2024-12-13. Review status: criteria provided, single submitter. Criteria: LabCorp Variant Classification Summary - May 2015. Collection method: clinical testing. Allele origin: germline.
Comment: Variant summary: TTPA c.452G>A (p.Arg151Gln) results in a conservative amino acid change located in the CRAL-TRIO lipid binding domain of the encoded protein sequence. Four of five in-silico tools predict a benign effect of the variant on protein function. The variant allele was found at a frequency of 0.00047 in 251342 control chromosomes. This frequency is not significantly higher than estimated for a pathogenic variant in TTPA causing Ataxia With Vitamin E Deficiency (0.00047 vs 0.002), allowing no conclusion about variant significance. c.452G>A has been reported in the literature in individuals affected with Ataxia With Vitamin E Deficiency. These report(s) do not provide unequivocal conclusions about association of the variant with Ataxia With Vitamin E Deficiency. To our knowledge, no experimental evidence demonstrating an impact on protein function has been reported. The following publication have been ascertained in the context of this evaluation (PMID: 34426522). ClinVar contains an entry for this variant (Variation ID: 363561). Based on the evidence outlined above, the variant was classified as uncertain significance.

Blueprint Genetics
Classification: Uncertain significance. Last evaluated: 2024-11-23. Review status: criteria provided, single submitter. Criteria: ACMG Guidelines, 2015. Collection method: clinical testing. Allele origin: germline.

Athena Diagnostics
Classification: Uncertain significance. Last evaluated: 2024-05-03. Review status: criteria provided, single submitter. Criteria: Athena Diagnostics Criteria. Collection method: clinical testing. Allele origin: unknown.
Comment: Available data are insufficient to determine the clinical significance of the variant at this time. The frequency of this variant in the general population is higher than would generally be expected for pathogenic variants in this gene. Polyphen and MutationTaster yielded discordant predictions regarding whether this amino acid change is damaging to the protein.

GeneDx
Classification: Uncertain significance. Last evaluated: 2024-01-12. Review status: criteria provided, single submitter. Criteria: GeneDx Variant Classification Process June 2021. Collection method: clinical testing. Allele origin: germline. Affected: yes.
Comment: In silico analysis supports that this missense variant does not alter protein structure/function; This variant is associated with the following publications: (PMID: 34426522, 30902645)

Labcorp Genetics (formerly Invitae), Labcorp
Classification: Uncertain significance. Last evaluated: 2022-10-17. Review status: criteria provided, single submitter. Criteria: Invitae Variant Classification Sherloc (09022015). Collection method: clinical testing. Allele origin: germline.
Comment: This sequence change replaces arginine, which is basic and polar, with glutamine, which is neutral and polar, at codon 151 of the TTPA protein (p.Arg151Gln). This variant is present in population databases (rs150710403, gnomAD 0.1%), and has an allele count higher than expected for a pathogenic variant. This missense change has been observed in individual(s) with clinical features of TTPA-related conditions (PMID: 30902645). ClinVar contains an entry for this variant (Variation ID: 363561). Advanced modeling of protein sequence and biophysical properties (such as structural, functional, and spatial information, amino acid conservation, physicochemical variation, residue mobility, and thermodynamic stability) performed at Invitae indicates that this missense variant is not expected to disrupt TTPA protein function. In summary, the available evidence is currently insufficient to determine the role of this variant in disease. Therefore, it has been classified as a Variant of Uncertain Significance.

Fulgent Genetics
Classification: Uncertain significance for Familial isolated deficiency of vitamin E. Last evaluated: 2022-03-14. Review status: criteria provided, single submitter. Criteria: ACMG Guidelines, 2015. Collection method: clinical testing. Allele origin: unknown.

Institute of Human Genetics, Univ. Regensburg, Univ. Regensburg
Classification: Uncertain significance for Retinal dystrophy. Last evaluated: 2022-01-01. Review status: criteria provided, single submitter. Criteria: ACMG Guidelines, 2015. Collection method: clinical testing. Allele origin: germline. Affected: yes.

Illumina Laboratory Services, Illumina
Classification: Uncertain significance for Familial isolated deficiency of vitamin E. Last evaluated: 2018-01-13. Review status: criteria provided, single submitter. Criteria: ICSL Variant Classification Criteria 13 December 2019. Collection method: clinical testing. Allele origin: germline.

Breakthrough Genomics
Classification: Uncertain significance. Review status: criteria provided, single submitter. Criteria: ACMG Guidelines, 2015. Collection method: not provided. Allele origin: germline. Inheritance: Autosomal recessive inheritance. Affected: yes.

Natera, Inc.
Classification: Uncertain significance for Ataxia with isolated vitamin E deficiency. Last evaluated: 2019-11-11. Review status: no assertion criteria provided. Collection method: clinical testing. Allele origin: germline. Not counted in ClinVar's aggregate classification.

Clinical Genetics DNA and cytogenetics Diagnostics Lab, Erasmus MC, Erasmus Medical Center
Classification: Uncertain significance. Review status: no assertion criteria provided. Collection method: clinical testing. Allele origin: germline. Affected: yes. Study: VKGL Data-share Consensus. Not counted in ClinVar's aggregate classification.

Joint Genome Diagnostic Labs from Nijmegen and Maastricht, Radboudumc and MUMC+
Classification: Uncertain significance. Review status: no assertion criteria provided. Collection method: clinical testing. Allele origin: germline. Affected: yes. Study: VKGL Data-share Consensus. Not counted in ClinVar's aggregate classification.

Literature cited by the submitters: PubMed 34426522 (cited by Women's Health and Genetics/Laboratory Corporation of America, LabCorp and Athena Diagnostics); PubMed 30902645 (cited by 3 submitters); PubMed 33652732 (cited by Athena Diagnostics); PubMed 28945198 (cited by Athena Diagnostics); PubMed 3442652 (cited by Institute of Human Genetics, Univ. Regensburg, Univ. Regensburg).